The following is an entry in ClinVar:

ClinVar aggregate classification (germline): Uncertain significance. Review status: criteria provided, multiple submitters, no conflicts (2 of 4 stars). 7 submissions from 5 submitters: Uncertain significance (7). Last evaluated 2025-06-09.

Conditions:
RYR1-related disorder. Also called: RYR1-related condition; RYR1-related disorders. Identifiers: MedGen CN239331.
Congenital multicore myopathy with external ophthalmoplegia (CMYO1B). Also called: MULTICORE MYOPATHY; Minicore myopathy with external ophthalmoplegia; Congenital myopathy 1B, autosomal recessive; Minicore myopathy; MULTIMINICORE DISEASE WITH EXTERNAL OPHTHALMOPLEGIA. Identifiers: Orphanet 598, Orphanet 98905, MedGen C1850674, MONDO:0009712, OMIM 255320, HP:0003789.
Central core myopathy (CMYO1A). Also called: CONGENITAL MYOPATHY 1A, AUTOSOMAL DOMINANT, WITH SUSCEPTIBILITY TO MALIGNANT HYPERTHERMIA; Central core disease; Myopathy, central fibrillar. Identifiers: Orphanet 597, MedGen C5830701, MONDO:0007294, OMIM 117000.
Malignant hyperthermia, susceptibility to, 1 (MHS1). Also called: Anesthesia related hyperthermia; Malignant hyperpyrexia; Fulminating hyperpyrexia; Pharmacogenic myopathy; RYR1-Related Malignant Hyperthermia Susceptibility; Malignant hyperthermia suceptibility 1. Identifiers: Orphanet 423, MedGen C2930980, MONDO:0007783, OMIM 145600.

Allele frequency attached by ClinVar (database versions not stated): TOPMed 0.00001.
gnomAD v4.1: 8 of 1,614,142 alleles (0.0005%); highest among the groups gnomAD compares: East Asian, 0.0022%; no homozygotes.

Submissions (7):

Color Diagnostics, LLC DBA Color Health
Classification: Uncertain significance for Malignant hyperthermia, susceptibility to, 1. Last evaluated: 2025-06-09. Review status: criteria provided, single submitter. Criteria: ACMG Guidelines, 2015. Collection method: clinical testing. Allele origin: germline.
Comment: This missense variant replaces arginine with histidine at codon 3637 of the RYR1 protein. Computational prediction suggests that this variant may have deleterious impact on protein structure and function. To our knowledge, functional studies have not been reported for this variant. This variant has not been reported in individuals affected with RYR1-related disorders in the literature. This variant has been identified in 3/251460 chromosomes in the general population by the Genome Aggregation Database (gnomAD). The available evidence is insufficient to determine the role of this variant in disease conclusively. Therefore, this variant is classified as a Variant of Uncertain Significance.

Revvity Omics, Revvity
Classification: Uncertain significance. Last evaluated: 2023-12-01. Review status: criteria provided, single submitter. Criteria: ACMG Guidelines, 2015. Collection method: clinical testing. Allele origin: germline.

Labcorp Genetics (formerly Invitae), Labcorp
Classification: Uncertain significance for RYR1-related disorder. Last evaluated: 2023-09-15. Review status: criteria provided, single submitter. Criteria: Invitae Variant Classification Sherloc (09022015). Collection method: clinical testing. Allele origin: germline.
Comment: In summary, the available evidence is currently insufficient to determine the role of this variant in disease. Therefore, it has been classified as a Variant of Uncertain Significance. Advanced modeling of protein sequence and biophysical properties (such as structural, functional, and spatial information, amino acid conservation, physicochemical variation, residue mobility, and thermodynamic stability) performed at Invitae indicates that this missense variant is expected to disrupt RYR1 protein function. This sequence change replaces arginine, which is basic and polar, with histidine, which is basic and polar, at codon 3637 of the RYR1 protein (p.Arg3637His). This variant is present in population databases (no rsID available, gnomAD 0.004%). This variant has not been reported in the literature in individuals affected with RYR1-related conditions. ClinVar contains an entry for this variant (Variation ID: 893378).

All of Us Research Program, National Institutes of Health
Classification: Uncertain significance for Malignant hyperthermia, susceptibility to, 1. Last evaluated: 2023-07-10. Review status: criteria provided, single submitter. Criteria: ACMG Guidelines, 2015. Collection method: clinical testing. Allele origin: germline. Inheritance: Autosomal dominant inheritance. Observed: 1 variant allele, 1 heterozygote.
Comment: This missense variant replaces arginine with histidine at codon 3637 of the RYR1 protein. Computational prediction suggests that this variant may have deleterious impact on protein structure and function (internally defined REVEL score threshold >= 0.7, PMID: 27666373). To our knowledge, functional studies have not been reported for this variant. This variant has not been reported in individuals affected with RYR1-related disorders in the literature. This variant has been identified in 3/251460 chromosomes in the general population by the Genome Aggregation Database (gnomAD). The available evidence is insufficient to determine the role of this variant in disease conclusively. Therefore, this variant is classified as a Variant of Uncertain Significance.

This study involves interpretation of variants in research participants for the purpose of population health screening. Participant phenotype was not available at the time of variant classification. Additional details can be found in publication PMID: 35346344, PMCID: PMC8962531

Illumina Laboratory Services, Illumina
Classification: Uncertain significance for Malignant hyperthermia, susceptibility to, 1. Last evaluated: 2017-04-28. Review status: criteria provided, single submitter. Criteria: ICSL Variant Classification Criteria 13 December 2019. Collection method: clinical testing. Allele origin: germline.

Illumina Laboratory Services, Illumina
Classification: Uncertain significance for Central core myopathy. Last evaluated: 2017-04-28. Review status: criteria provided, single submitter. Criteria: ICSL Variant Classification Criteria 13 December 2019. Collection method: clinical testing. Allele origin: germline.

Illumina Laboratory Services, Illumina
Classification: Uncertain significance for Congenital multicore myopathy with external ophthalmoplegia. Last evaluated: 2017-04-28. Review status: criteria provided, single submitter. Criteria: ICSL Variant Classification Criteria 13 December 2019. Collection method: clinical testing. Allele origin: germline.

NM_000540.3(RYR1):c.10910G>A (p.Arg3637His)

Gene: RYR1 (ryanodine receptor 1; plus strand). Cytogenetic location: 19q13.2.
Variant type: single nucleotide variant.
Coding change: c.10910G>A on transcript NM_000540.3 (MANE Select); coding-DNA position 10910, G replaced by A.
Protein change: p.Arg3637His; replaces arginine 3637 with histidine.
Molecular consequence: missense variant.
Genome position (GRCh38, 1-based): chr19:38,528,391, G>A. VCF-style: chr19-38528391-G-A. GRCh37 (hg19) VCF-style: chr19-39019031-G-A.
Other names: c.10895G>A, p.Arg3632His (NM_001042723.2); short protein forms R3637H, R3632H.
Identifiers: ClinVar variation 893378 (VCV000893378.10), dbSNP rs747528384, ClinGen allele CA308081820.